The following is an entry in ClinVar:

ClinVar aggregate classification (germline): Benign. Review status: criteria provided, multiple submitters, no conflicts (2 of 4 stars). 2 submissions from 2 submitters: Benign (2). Last evaluated 2018-11-10.

Allele frequency attached by ClinVar (database versions not stated): gnomAD 0.45306 and 0.45632; TOPMed 0.47218; 1000 Genomes Project 0.60064.

Submissions (2):

GeneDx
Classification: Benign. Last evaluated: 2018-11-10. Review status: criteria provided, single submitter. Criteria: GeneDx Variant Classification Process June 2021. Collection method: clinical testing. Allele origin: germline. Affected: yes.
Comment: This variant is associated with the following publications: (PMID: 23773531, 31387910, 25888255, 25777889)

Breakthrough Genomics
Classification: Benign. Review status: criteria provided, single submitter. Criteria: ACMG Guidelines, 2015. Collection method: not provided. Allele origin: germline. Inheritance: Autosomal dominant inheritance. Affected: yes.

NC_000015.10:g.58749813T>C

Genes: ADAM10 (ADAM metallopeptidase domain 10; minus strand), LOC130057158 (ATAC-STARR-seq lymphoblastoid silent region 6482; plus strand). Cytogenetic location: 15q21.3.
Variant type: single nucleotide variant.
Genome position: GRCh38 VCF-style: chr15-58749813-T-C. GRCh37 (hg19) VCF-style: chr15-59042012-T-C.
Identifiers: ClinVar variation 1260546 (VCV001260546.4), dbSNP rs653765, ClinGen allele CA14082373.